The following is an entry in ClinVar:

NM_152618.3(BBS12):c.35G>A (p.Arg12Lys)

Gene: BBS12 (Bardet-Biedl syndrome 12; plus strand). Cytogenetic location: 4q27.
Variant type: single nucleotide variant.
Coding change: c.35G>A on transcript NM_152618.3 (MANE Select); coding-DNA position 35, G replaced by A.
Protein change: p.Arg12Lys; replaces arginine 12 with lysine.
Molecular consequence: missense variant.
Genome position (GRCh38, 1-based): chr4:122,741,927, G>A. VCF-style: chr4-122741927-G-A. GRCh37 (hg19) VCF-style: chr4-123663082-G-A.
Other names: c.35G>A, p.Arg12Lys (NM_001178007.2); short protein forms R12K.
Identifiers: ClinVar variation 3632498 (VCV003632498.2).

ClinVar aggregate classification (germline): Uncertain significance (1 of 4 stars; one submission).

Conditions:
Bardet-Biedl syndrome (BBS). Identifiers: Orphanet 110, MedGen C0752166, MONDO:0015229.

gnomAD v4.1: 1 of 1,613,922 alleles (0.000062%); highest among the groups gnomAD compares: Non-Finnish European, 0.000085%; no homozygotes.

Submission:

Labcorp Genetics (formerly Invitae), Labcorp
Classification: Uncertain significance for Bardet-Biedl syndrome. Last evaluated: 2025-09-10. Review status: criteria provided, single submitter. Criteria: Invitae Variant Classification Sherloc (09022015). Collection method: clinical testing. Allele origin: germline.
Comment: This sequence change replaces arginine, which is basic and polar, with lysine, which is basic and polar, at codon 12 of the BBS12 protein (p.Arg12Lys). This variant is present in population databases (no rsID available, gnomAD 0.0009%). This variant has not been reported in the literature in individuals affected with BBS12-related conditions. ClinVar contains an entry for this variant (Variation ID: 3632498). Invitae Evidence Modeling of protein sequence and biophysical properties (such as structural, functional, and spatial information, amino acid conservation, physicochemical variation, residue mobility, and thermodynamic stability) indicates that this missense variant is not expected to disrupt BBS12 protein function with a negative predictive value of 80%. In summary, the available evidence is currently insufficient to determine the role of this variant in disease. Therefore, it has been classified as a Variant of Uncertain Significance.